The following is an entry in ClinVar:

ClinVar aggregate classification (germline): Likely benign (1 of 4 stars; one submission).

Allele frequency attached by ClinVar (database versions not stated): 1000 Genomes Project 0.00180; 1000 Genomes Project 30x 0.00203; TOPMed 0.00299; gnomAD 0.00361 and 0.00381.
gnomAD v4.1: 548 of 152,360 alleles (0.36%); highest among the groups gnomAD compares: Non-Finnish European, 0.46%; 2 homozygotes.

Submission:

GeneDx
Classification: Likely benign. Last evaluated: 2018-06-16. Review status: criteria provided, single submitter. Criteria: GeneDx Variant Classification (06012015). Collection method: clinical testing. Allele origin: germline. Affected: yes.
Comment: This variant is considered likely benign or benign based on one or more of the following criteria: it is a conservative change, it occurs at a poorly conserved position in the protein, it is predicted to be benign by multiple in silico algorithms, and/or has population frequency not consistent with disease.

NM_001173990.3(TMEM216):c.137-241T>C

Gene: TMEM216 (transmembrane protein 216; plus strand). Cytogenetic location: 11q12.2.
Variant type: single nucleotide variant.
Coding change: c.137-241T>C on transcript NM_001173990.3 (MANE Select); 241 bases into the intron before coding-DNA position 137, T replaced by C.
Molecular consequence: intron variant.
Genome position (GRCh38, 1-based): chr11:61,393,643, T>C. VCF-style: chr11-61393643-T-C. GRCh37 (hg19) VCF-style: chr11-61161115-T-C.
Other names: c.-47-241T>C (NM_016499.6, NM_001330285.2); c.137-241T>C (NM_001173991.3).
Identifiers: ClinVar variation 670233 (VCV000670233.1), dbSNP rs190895224, ClinGen allele CA222895312.
Genomic context (GRCh38, chr11:61,393,643, plus strand): 5'-AGCTCCACTGTAAGCCCACTGGTGACCCTTAGAAACTATTCAGTGGCCTGTGTACCCATG[T>C]ACATCCAATCATTTTGGAGAGTGGAGTCCCCAGAGACTTTTGGAGTTAGGAGTAAAACAC-3'